The following is an entry in ClinVar:

NM_001079668.3(NKX2-1):c.589C>T (p.Leu197Phe)

Genes: NKX2-1 (NK2 homeobox 1; minus strand), SFTA3 (surfactant associated 3; minus strand). Cytogenetic location: 14q13.3.
Variant type: single nucleotide variant.
Coding change: c.589C>T on transcript NM_001079668.3 (MANE Select); coding-DNA position 589, C replaced by T.
Protein change: p.Leu197Phe; replaces leucine 197 with phenylalanine.
Molecular consequence: missense variant.
Genome position (GRCh38, 1-based): chr14:36,517,895, G>A on the plus strand (C>T on the coding strand, the complement: NKX2-1 is on the minus strand). VCF-style: chr14-36517895-G-A. GRCh37 (hg19) VCF-style: chr14-36987100-G-A.
Other names: c.499C>T, p.Leu167Phe (NM_003317.4); short protein forms L167F, L197F.
Identifiers: ClinVar variation 1318594 (VCV001318594.2), dbSNP rs2139407768, ClinGen allele CA389459486.

ClinVar aggregate classification (germline): Uncertain significance (1 of 4 stars; one submission).

Submission:

GeneDx
Classification: Uncertain significance. Last evaluated: 2019-10-12. Review status: criteria provided, single submitter. Criteria: GeneDx Variant Classification Process June 2021. Collection method: clinical testing. Allele origin: germline. Affected: yes.
Comment: Not observed in large population cohorts (Lek et al., 2016); In silico analysis, which includes protein predictors and evolutionary conservation, supports a deleterious effect; Has not been previously published as pathogenic or benign to our knowledge